The following is an entry in ClinVar:

NM_004082.5(DCTN1):c.2672A>G (p.Gln891Arg)

Gene: DCTN1 (dynactin subunit 1; minus strand). Cytogenetic location: 2p13.1.
Variant type: single nucleotide variant.
Coding change: c.2672A>G on transcript NM_004082.5 (MANE Select); coding-DNA position 2672, A replaced by G.
Protein change: p.Gln891Arg; replaces glutamine 891 with arginine.
Molecular consequence: missense variant. On other transcripts: non-coding transcript variant (1).
Genome position (GRCh38, 1-based): chr2:74,366,332, T>C on the plus strand (A>G on the coding strand, the complement: DCTN1 is on the minus strand). VCF-style: chr2-74366332-T-C. GRCh37 (hg19) VCF-style: chr2-74593459-T-C.
Other names: c.2561A>G, p.Gln854Arg (NM_001190836.2); c.2651A>G, p.Gln884Arg (NM_001190837.2); c.2621A>G, p.Gln874Arg (NM_001378991.1); c.2603A>G, p.Gln868Arg (NM_001378992.1); c.2270A>G, p.Gln757Arg (NM_023019.4, NM_001135041.3); c.2612A>G, p.Gln871Arg (NM_001135040.3); short protein forms Q757R, Q854R, Q868R, Q871R, Q874R, Q884R, Q891R.
Identifiers: ClinVar variation 3761508 (VCV003761508.2).

ClinVar aggregate classification (germline): Uncertain significance (1 of 4 stars; one submission).

Conditions:
Amyotrophic lateral sclerosis type 1 (ALS1). Also called: AMYOTROPHIC LATERAL SCLEROSIS 1, FAMILIAL. Identifiers: Orphanet 803, MedGen C1862939, MONDO:0007103, OMIM 105400.
Neuronopathy, distal hereditary motor, type 7B. Also called: HMN VIIB; LOWER MOTOR NEURON DISEASE, DYNACTIN TYPE; NEURONOPATHY, DISTAL HEREDITARY MOTOR, AUTOSOMAL DOMINANT 14; NEURONOPATHY, DISTAL HEREDITARY MOTOR, HARDING TYPE VIIB; NEUROPATHY, DISTAL HEREDITARY MOTOR, HARDING TYPE VIIB; NEUROPATHY, DISTAL HEREDITARY MOTOR, WITH VOCAL CORD PARALYSIS, HARDING TYPE VIIB. Identifiers: Orphanet 139589, MedGen C1843315, MONDO:0011879, OMIM 607641.
Perry syndrome. Also called: PARKINSONISM WITH ALVEOLAR HYPOVENTILATION AND MENTAL DEPRESSION. Identifiers: Orphanet 178509, MedGen C1868594, MONDO:0008201, OMIM 168605.

Submission:

Labcorp Genetics (formerly Invitae), Labcorp
Classification: Uncertain significance for Amyotrophic lateral sclerosis type 1; Neuronopathy, distal hereditary motor, type 7B; Perry syndrome. Last evaluated: 2024-12-19. Review status: criteria provided, single submitter. Criteria: Invitae Variant Classification Sherloc (09022015). Collection method: clinical testing. Allele origin: germline.
Comment: This sequence change replaces glutamine, which is neutral and polar, with arginine, which is basic and polar, at codon 891 of the DCTN1 protein (p.Gln891Arg). This variant is present in population databases (rs745930926, gnomAD 0.01%). This variant has not been reported in the literature in individuals affected with DCTN1-related conditions. Invitae Evidence Modeling of protein sequence and biophysical properties (such as structural, functional, and spatial information, amino acid conservation, physicochemical variation, residue mobility, and thermodynamic stability) indicates that this missense variant is not expected to disrupt DCTN1 protein function with a negative predictive value of 95%. In summary, the available evidence is currently insufficient to determine the role of this variant in disease. Therefore, it has been classified as a Variant of Uncertain Significance.